The following is an entry in ClinVar:

ClinVar aggregate classification (germline): Conflicting classifications of pathogenicity. Review status: criteria provided, conflicting classifications (1 of 4 stars). 5 submissions from 5 submitters: Likely pathogenic (4); Uncertain significance (1). Last evaluated 2026-07-05.

Conditions:
KCNH2-related disorder. Also called: KCNH2-related disorders; KCNH2-related condition.
Long QT syndrome (LQTS). Identifiers: MedGen C0023976, MeSH D008133, MONDO:0002442. Disease mechanism: loss of function. Inheritance: Various modes of inheritance.
Long QT syndrome 2 (LQT2). Identifiers: Orphanet 101016, Orphanet 768, MedGen C3150943, MONDO:0013367, OMIM 613688.
Cardiac arrhythmia. Also called: Arrhythmia; Cardiac rhythm disease. Identifiers: MedGen C0003811, MONDO:0007263, HP:0011675.

gnomAD v4.1: 5 of 1,614,142 alleles (0.00031%); highest among the groups gnomAD compares: South Asian, 0.0022%; no homozygotes.

Submissions (5):

Department of Molecular Genetics, Istishari Arab Hospital
Classification: Likely pathogenic for Long QT syndrome 2. Last evaluated: 2026-07-05. Review status: criteria provided, single submitter. Criteria: ACMG Guidelines, 2015. Collection method: clinical testing. Allele origin: germline. Inheritance: Autosomal dominant inheritance. Affected: yes.
Comment: The KCNH2 variant c.2468G>A, p.Arg823Gln causes an amino acid change from Arg to Gln at position 823 in exon 10 (of 15). This variant was previously reported in cases of Long QT syndrome (PMID: 10973849‚ 11278781‚ 11741928‚ 11854117‚ 16432067‚ 16831322‚ 19695459‚ 19716085‚ 23158531‚ 23303164‚ 23631430‚ 26669661). It is classified as likely pathogenic based on ACMG/AMP/ClinGen SVI guidelines.

Color Diagnostics, LLC DBA Color Health
Classification: Uncertain significance for Cardiac arrhythmia. Last evaluated: 2025-10-23. Review status: criteria provided, single submitter. Criteria: ACMG Guidelines, 2015. Collection method: clinical testing. Allele origin: germline.
Comment: This missense variant replaces arginine with glutamine at codon 823 of the KCNH2 protein. This variant is located within the conserved C-terminal region (a.a. 742-842) of the KCNH2 protein. Rare non-truncating variants in this region have been shown to be significantly overrepresented in individuals with long QT syndrome (PMID: 32893267). Computational prediction tools and conservation analyses suggest that this variant may have deleterious impact on the protein function. A functional study has shown that the mutant protein exhibits significantly reduced cAMP binding capacity and partial loss of potassium current (PMID: 11278781). This variant has been reported in two related individuals affected with long QT syndrome (PMID: 26669661). This variant has been identified in 5/1614142 chromosomes the general population by the Genome Aggregation Database (gnomAD). A different missense variant at the same codon Arg823Trp is thought to cause long QT syndrome (ClinVar variation ID 67402), indicating functional and clinical importance of this variant position. Although there is a suspicion that this variant may be associated with disease, additional studies are necessary to determine the role of this variant in disease conclusively. Therefore, this variant is classified as a Variant of Uncertain Significance.

Labcorp Genetics (formerly Invitae), Labcorp
Classification: Likely pathogenic for Long QT syndrome. Last evaluated: 2024-05-06. Review status: criteria provided, single submitter. Criteria: Invitae Variant Classification Sherloc (09022015). Collection method: clinical testing. Allele origin: germline.
Comment: This sequence change replaces arginine, which is basic and polar, with glutamine, which is neutral and polar, at codon 823 of the KCNH2 protein (p.Arg823Gln). This variant is not present in population databases (gnomAD no frequency). This missense change has been observed in individuals with long QT Syndrome (PMID: 26669661; Invitae). ClinVar contains an entry for this variant (Variation ID: 418246). An algorithm developed to predict the effect of missense changes on protein structure and function (PolyPhen-2) suggests that this variant is likely to be disruptive. Experimental studies have shown that this missense change affects KCNH2 function (PMID: 11278781). This variant disrupts the p.Arg823 amino acid residue in KCNH2. Other variant(s) that disrupt this residue have been determined to be pathogenic (PMID: 10973849, 11741928, 11854117, 16432067, 16831322, 19695459, 19716085, 23158531, 23303164, 23631430). This suggests that this residue is clinically significant, and that variants that disrupt this residue are likely to be disease-causing. In summary, the currently available evidence indicates that the variant is pathogenic, but additional data are needed to prove that conclusively. Therefore, this variant has been classified as Likely Pathogenic.

Blueprint Genetics
Classification: Likely pathogenic for KCNH2-related disorders. Last evaluated: 2024-03-05. Review status: criteria provided, single submitter. Criteria: ACMG Guidelines, 2015. Collection method: clinical testing. Allele origin: germline. Affected: yes. Observed: 3 variant alleles.

GeneDx
Classification: Likely pathogenic. Last evaluated: 2015-03-02. Review status: criteria provided, single submitter. Criteria: GeneDx Variant Classification (06012015). Collection method: clinical testing. Allele origin: germline. Affected: yes.
Comment: A novel R823Q variant that is likely pathogenic was identified in the KCNH2 (HERG) gene. The R823Q variant was not observed in approximately 6,500 individuals of European and African American ancestry in an external variant database, indicating it is not a common benign variant in these populations. The R823Q variant is a semi-conservative amino acid substitution, which may impact secondary protein structure as these residues differ in some properties. This substitution occurs at a position within the cyclic nucelotide binding domain that is conserved across species. In silico analysis predicts this variant is probably damaging to the protein structure/function. A missense variant at the same residue (R823W) and in nearby residues (G820R, G820E, V822M, T826I) have been reported in the Human Gene Mutation Database in association with LQTS (Stenson et al., 2014), supporting the functional importance of this region of the protein. In the same in vitro system as above, R823W was shown to abolish potassium current in cells expressing this mutant channel, suggesting that the R823Q variant may have a more mild phenotypic effect (Cui et al., 2001). Therefore, this is a strong candidate for a pathogenic variant, however the possibility that it is a benign variant cannot be excluded.

Literature cited by the submitters: PubMed 10973849 (cited by Department of Molecular Genetics, Istishari Arab Hospital and Labcorp Genetics (formerly Invitae), Labcorp); PubMed 11278781 (cited by 3 submitters); PubMed 11741928 (cited by Department of Molecular Genetics, Istishari Arab Hospital and Labcorp Genetics (formerly Invitae), Labcorp); PubMed 11854117 (cited by Department of Molecular Genetics, Istishari Arab Hospital and Labcorp Genetics (formerly Invitae), Labcorp); PubMed 16432067 (cited by Department of Molecular Genetics, Istishari Arab Hospital and Labcorp Genetics (formerly Invitae), Labcorp); PubMed 16831322 (cited by Department of Molecular Genetics, Istishari Arab Hospital and Labcorp Genetics (formerly Invitae), Labcorp); PubMed 19695459 (cited by Department of Molecular Genetics, Istishari Arab Hospital and Labcorp Genetics (formerly Invitae), Labcorp); PubMed 19716085 (cited by Department of Molecular Genetics, Istishari Arab Hospital and Labcorp Genetics (formerly Invitae), Labcorp); PubMed 23158531 (cited by Department of Molecular Genetics, Istishari Arab Hospital and Labcorp Genetics (formerly Invitae), Labcorp); PubMed 23303164 (cited by Department of Molecular Genetics, Istishari Arab Hospital and Labcorp Genetics (formerly Invitae), Labcorp); PubMed 23631430 (cited by Department of Molecular Genetics, Istishari Arab Hospital and Labcorp Genetics (formerly Invitae), Labcorp); PubMed 26669661 (cited by 3 submitters); PubMed 32893267 (cited by Color Diagnostics, LLC DBA Color Health).

NM_000238.4(KCNH2):c.2468G>A (p.Arg823Gln)

Gene: KCNH2 (potassium voltage-gated channel subfamily H member 2; minus strand). Cytogenetic location: 7q36.1.
Variant type: single nucleotide variant.
Coding change: c.2468G>A on transcript NM_000238.4 (MANE Select); coding-DNA position 2468, G replaced by A.
Protein change: p.Arg823Gln; replaces arginine 823 with glutamine.
Molecular consequence: missense variant.
Genome position (GRCh38, 1-based): chr7:150,948,980, C>T on the plus strand (G>A on the coding strand, the complement: KCNH2 is on the minus strand). VCF-style: chr7-150948980-C-T. GRCh37 (hg19) VCF-style: chr7-150646068-C-T.
Other names: p.Arg823Gln; c.1448G>A, p.Arg483Gln (NM_172057.3); short protein forms R483Q, R823Q.
Identifiers: ClinVar variation 418246 (VCV000418246.16), dbSNP rs1064793147, ClinGen allele CA16618403.